The following is an entry in ClinVar:

NM_004341.5(CAD):c.2662C>T (p.Arg888Cys)

Genes: CAD (carbamoyl-phosphate synthetase 2, aspartate transcarbamylase, and dihydroorotase; plus strand), LOC126806171 (BRD4-independent group 4 enhancer GRCh37_chr2:27454350-27455549; plus strand). Cytogenetic location: 2p23.3.
Variant type: single nucleotide variant.
Coding change: c.2662C>T on transcript NM_004341.5 (MANE Select); coding-DNA position 2662, C replaced by T.
Protein change: p.Arg888Cys; replaces arginine 888 with cysteine.
Molecular consequence: missense variant.
Genome position (GRCh38, 1-based): chr2:27,232,464, C>T. VCF-style: chr2-27232464-C-T. GRCh37 (hg19) VCF-style: chr2-27455332-C-T.
Other names: c.2473C>T, p.Arg825Cys (NM_001306079.2); c.2662C>T (NM_004341.3); short protein forms R888C, R825C.
Identifiers: ClinVar variation 1371795 (VCV001371795.7), dbSNP rs375233070, ClinGen allele CA1573084.
Genomic context (GRCh38, chr2:27,232,464, plus strand): 5'-CCCTACTCTCTGGGCCTGTGTTTCAGACCCTTTTTCTATTTTAGCACAGAGCTGGCTGTT[C>T]GCAAGCTGCGTCAGGAACTGGGGATCTGTCCAGCAGTGAAACAGATTGACACAGTTGCAG-3'
Protein context (NP_004332.2, residues 878-898): LAVLSTELAV[Arg888Cys]KLRQELGICP

ClinVar aggregate classification (germline): Uncertain significance. Review status: criteria provided, multiple submitters, no conflicts (2 of 4 stars). 3 submissions from 3 submitters: Uncertain significance (3). Last evaluated 2024-10-14.

Conditions:
Inborn genetic diseases. Identifiers: MedGen C0950123, MeSH D030342.

Allele frequency attached by ClinVar (database versions not stated): ESP Exome Variant Server 0.00008.
gnomAD v4.1: 81 of 1,614,044 alleles (0.005%); highest among the groups gnomAD compares: Non-Finnish European, 0.0066%; no homozygotes.

Submissions (3):

Blueprint Genetics
Classification: Uncertain significance. Last evaluated: 2024-10-14. Review status: criteria provided, single submitter. Criteria: ACMG Guidelines, 2015. Collection method: clinical testing. Allele origin: germline.

Ambry Genetics
Classification: Uncertain significance for Inborn genetic diseases. Last evaluated: 2023-11-06. Review status: criteria provided, single submitter. Criteria: Ambry Variant Classification Scheme 2023. Collection method: clinical testing. Allele origin: germline.

Labcorp Genetics (formerly Invitae), Labcorp
Classification: Uncertain significance. Last evaluated: 2022-08-06. Review status: criteria provided, single submitter. Criteria: Invitae Variant Classification Sherloc (09022015). Collection method: clinical testing. Allele origin: germline.
Comment: This sequence change replaces arginine, which is basic and polar, with cysteine, which is neutral and slightly polar, at codon 888 of the CAD protein (p.Arg888Cys). This variant is present in population databases (rs375233070, gnomAD 0.01%). This variant has not been reported in the literature in individuals affected with CAD-related conditions. ClinVar contains an entry for this variant (Variation ID: 1371795). Algorithms developed to predict the effect of missense changes on protein structure and function (SIFT, PolyPhen-2, Align-GVGD) all suggest that this variant is likely to be disruptive. In summary, the available evidence is currently insufficient to determine the role of this variant in disease. Therefore, it has been classified as a Variant of Uncertain Significance.